The following is an entry in ClinVar:

ClinVar aggregate classification (germline): Uncertain significance. Review status: criteria provided, multiple submitters, no conflicts (2 of 4 stars). 2 submissions from 2 submitters: Uncertain significance (2). Last evaluated 2023-02-15.

Allele frequency attached by ClinVar (database versions not stated): gnomAD exomes below 0.00001; gnomAD 0.00001; TOPMed 0.00002.

Submissions (2):

Ambry Genetics
Classification: Uncertain significance. Last evaluated: 2023-02-15. Review status: criteria provided, single submitter. Criteria: Ambry Variant Classification Scheme 2023. Collection method: clinical testing. Allele origin: germline.

Labcorp Genetics (formerly Invitae), Labcorp
Classification: Uncertain significance. Last evaluated: 2022-11-22. Review status: criteria provided, single submitter. Criteria: Invitae Variant Classification Sherloc (09022015). Collection method: clinical testing. Allele origin: germline.
Comment: This sequence change replaces methionine, which is neutral and non-polar, with threonine, which is neutral and polar, at codon 5 of the CEP19 protein (p.Met5Thr). This variant is present in population databases (no rsID available, gnomAD 0.01%). This variant has not been reported in the literature in individuals affected with CEP19-related conditions. Algorithms developed to predict the effect of missense changes on protein structure and function output the following: SIFT: "Tolerated"; PolyPhen-2: "Probably Damaging"; Align-GVGD: "Class C0". The threonine amino acid residue is found in multiple mammalian species, which suggests that this missense change does not adversely affect protein function. In summary, the available evidence is currently insufficient to determine the role of this variant in disease. Therefore, it has been classified as a Variant of Uncertain Significance.

NM_032898.5(CEP19):c.2T>C (p.Met1Thr)

Gene: CEP19 (centrosomal protein 19; minus strand). Cytogenetic location: 3q29.
Variant type: single nucleotide variant.
Coding change: c.2T>C on transcript NM_032898.5 (MANE Select); coding-DNA position 2, T replaced by C.
Protein change: p.Met1Thr; changes the start codon (methionine 1).
Molecular consequence: missense variant, initiator codon variant. On other transcripts: intron variant (1).
Genome position (GRCh38, 1-based): chr3:196,708,656, A>G on the plus strand (T>C on the coding strand, the complement: CEP19 is on the minus strand). VCF-style: chr3-196708656-A-G. GRCh37 (hg19) VCF-style: chr3-196435527-A-G.
Other names: c.2T>C, p.Met1Thr (NM_001379469.1, NM_001379470.1); c.26-744T>C (NM_001379468.1); c.14T>C (NM_032898.3); short protein forms M1T.
Identifiers: ClinVar variation 2096621 (VCV002096621.6), dbSNP rs1316727838, ClinGen allele CA355635034.
Genomic context (GRCh38, chr3:196,708,656, plus strand): 5'-TAGATTAAGATAATAGCTGGAGGCTGAAACCTAATCCCACATTTCTTGGCAGTGCACATC[A>G]TTCCCATGTACATGTCCGGGTAAGTCAGAGGAAATCTGATGAATATGTGTAAGTTGCATA-3'
Protein context (NP_116287.3, residues 1-11): [Met1Thr]MCTAKKCGIR